The following is an entry in ClinVar:

ClinVar aggregate classification (germline): Pathogenic/Likely pathogenic. Review status: criteria provided, multiple submitters, no conflicts (2 of 4 stars). 3 submissions from 3 submitters: Pathogenic (2); Likely pathogenic (1). Last evaluated 2024-10-02.

Conditions:
Neurofibromatosis, type 1 (NF1). Also called: VON RECKLINGHAUSEN DISEASE; Peripheral type neurofibromatosis; NEUROFIBROMATOSIS, TYPE I, SOMATIC; Neurofibromatosis, type I. Identifiers: Orphanet 636, MedGen C0027831, MONDO:0018975, OMIM 162200. Disease mechanism: loss of function.
Neurofibromatosis-Noonan syndrome (NFNS). Also called: NEUROFIBROMATOSIS WITH NOONAN PHENOTYPE. Identifiers: Orphanet 638, MedGen C2931482, MONDO:0011035, OMIM 601321. Disease mechanism: loss of function.
Café-au-lait macules with pulmonary stenosis (WTSN). Also called: PULMONIC STENOSIS WITH CAFE-AU-LAIT SPOTS. Identifiers: MedGen C0553586, MONDO:0008672, OMIM 193520.
Juvenile myelomonocytic leukemia (JMML). Also called: LEUKEMIA, JUVENILE MYELOMONOCYTIC, SOMATIC. Identifiers: Orphanet 86834, MedGen C0349639, MONDO:0011908, OMIM 607785, HP:0012209.
Neurofibromatosis, familial spinal (FSNF). Identifiers: Orphanet 636, MedGen C1834235, MONDO:0008078, OMIM 162210. Disease mechanism: loss of function.

Submissions (3):

Labcorp Genetics (formerly Invitae), Labcorp
Classification: Pathogenic for Neurofibromatosis, type 1. Last evaluated: 2024-10-02. Review status: criteria provided, single submitter. Criteria: Invitae Variant Classification Sherloc (09022015). Collection method: clinical testing. Allele origin: germline.
Comment: This sequence change creates a premature translational stop signal (p.Leu1841*) in the NF1 gene. It is expected to result in an absent or disrupted protein product. Loss-of-function variants in NF1 are known to be pathogenic (PMID: 10712197, 23913538). This variant is not present in population databases (gnomAD no frequency). This variant has not been reported in the literature in individuals affected with NF1-related conditions. ClinVar contains an entry for this variant (Variation ID: 1070937). For these reasons, this variant has been classified as Pathogenic.

KCCC/NGS Laboratory, Kuwait Cancer Control Center
Classification: Pathogenic for Neurofibromatosis, type 1. Last evaluated: 2024-07-31. Review status: criteria provided, single submitter. Criteria: ACMG Guidelines, 2015. Collection method: clinical testing. Allele origin: germline. Inheritance: Autosomal dominant inheritance. Affected: yes. Observed: 1 heterozygote.
Comment: This sequence change creates a premature translational stop signal (p.Leu1841*) in the NF1 gene. It is expected to result in an absent or disrupted protein product. This variant is not present in population databases (ExAC no frequency). This variant has not been reported in the literature in individuals with NF1-related conditions. Loss-of-function variants in NF1 are known to be pathogenic (PMID: 10712197, 23913538). Therefore, this variant has been classified as Pathogenic.

Fulgent Genetics
Classification: Likely pathogenic for Neurofibromatosis, type 1; Neurofibromatosis, familial spinal; Café-au-lait macules with pulmonary stenosis; Neurofibromatosis-Noonan syndrome; Juvenile myelomonocytic leukemia. Last evaluated: 2024-02-19. Review status: criteria provided, single submitter. Criteria: ACMG Guidelines, 2015. Collection method: clinical testing. Allele origin: germline.

Literature cited by the submitters: PubMed 10712197 (cited by Labcorp Genetics (formerly Invitae), Labcorp); PubMed 23913538 (cited by Labcorp Genetics (formerly Invitae), Labcorp).

NM_001042492.3(NF1):c.5585T>G (p.Leu1862Ter)

Gene: NF1 (neurofibromin 1; plus strand). Cytogenetic location: 17q11.2.
Variant type: single nucleotide variant.
Coding change: c.5585T>G on transcript NM_001042492.3 (MANE Select); coding-DNA position 5585, T replaced by G.
Protein change: p.Leu1862Ter; replaces leucine 1862 with a stop codon.
Molecular consequence: nonsense.
Genome position (GRCh38, 1-based): chr17:31,327,815, T>G. VCF-style: chr17-31327815-T-G. GRCh37 (hg19) VCF-style: chr17-29654833-T-G.
Other names: c.5522T>G, p.Leu1841Ter (NM_000267.4); short protein forms L1841*, L1862*.
Identifiers: ClinVar variation 1070937 (VCV001070937.8), dbSNP rs2151541881, ClinGen allele CA399010025.